The following is an entry in ClinVar:

NM_003482.4(KMT2D):c.3511G>A (p.Glu1171Lys)

Genes: KMT2D (lysine methyltransferase 2D; minus strand), LOC126861520 (CDK7 strongly-dependent group 2 enhancer GRCh37_chr12:49442744-49443943; plus strand). Cytogenetic location: 12q13.12.
Variant type: single nucleotide variant.
Coding change: c.3511G>A on transcript NM_003482.4 (MANE Select); coding-DNA position 3511, G replaced by A.
Protein change: p.Glu1171Lys; replaces glutamic acid 1171 with lysine.
Molecular consequence: missense variant.
Genome position (GRCh38, 1-based): chr12:49,050,077, C>T on the plus strand (G>A on the coding strand, the complement: KMT2D is on the minus strand). VCF-style: chr12-49050077-C-T. GRCh37 (hg19) VCF-style: chr12-49443860-C-T.
Other names: short protein forms E1171K.
Identifiers: ClinVar variation 2083356 (VCV002083356.27), dbSNP rs780443391, ClinGen allele CA6548036.

ClinVar aggregate classification (germline): Conflicting classifications of pathogenicity. Review status: criteria provided, conflicting classifications (1 of 4 stars). 3 submissions from 3 submitters: Uncertain significance (2); Benign (1). Last evaluated 2025-07-06.

Conditions:
Kabuki syndrome. Also called: Kabuki make-up syndrome; NIIKAWA-KUROKI SYNDROME. Identifiers: Orphanet 2322, MedGen C0796004, MONDO:0016512.
KMT2D-related disorder. Also called: KMT2D-Related Disorders.

Allele frequency attached by ClinVar (database versions not stated): ExAC 0.00002; gnomAD exomes 0.00002.
gnomAD v4.1: 31 of 1,613,594 alleles (0.0019%); highest among the groups gnomAD compares: South Asian, 0.0099%; no homozygotes.

Submissions (3):

PreventionGenetics, part of Exact Sciences
Classification: Uncertain significance for KMT2D-related condition. Last evaluated: 2025-07-06. Review status: criteria provided, single submitter. Criteria: ACMG Guidelines, 2015. Collection method: clinical testing. Allele origin: germline.
Comment: The KMT2D c.3511G>A variant is predicted to result in the amino acid substitution p.Glu1171Lys. This variant has been reported in an individual tested for Kabuki syndrome; however, the variant was paternally inherited suggesting it is less likely to be pathogenic (Yap et al. 2020. PubMed ID: 31935506). This variant is reported in 0.0098% of alleles in individuals of South Asian descent in gnomAD. At this time, the clinical significance of this variant is uncertain due to the absence of conclusive functional and genetic evidence.

Labcorp Genetics (formerly Invitae), Labcorp
Classification: Benign for Kabuki syndrome. Last evaluated: 2024-11-06. Review status: criteria provided, single submitter. Criteria: Invitae Variant Classification Sherloc (09022015). Collection method: clinical testing. Allele origin: germline.

CeGaT Center for Human Genetics Tuebingen
Classification: Uncertain significance. Last evaluated: 2023-12-01. Review status: criteria provided, single submitter. Criteria: CeGaT Center For Human Genetics Tuebingen Variant Classification Criteria Version 2. Collection method: clinical testing. Allele origin: germline. Affected: yes. Observed: 1 variant allele.
Comment: KMT2D: PP2